The following is an entry in ClinVar:

ClinVar aggregate classification (germline): Pathogenic/Likely pathogenic. Review status: criteria provided, multiple submitters, no conflicts (2 of 4 stars). 2 submissions from 2 submitters: Pathogenic (1); Likely pathogenic (1). Last evaluated 2024-01-25.

Conditions:
Glycogen storage disease type III (GSD3). Also called: Cori disease; FORBES DISEASE. Identifiers: Orphanet 366, MedGen C0017922, MONDO:0009291, OMIM 232400.

Submissions (2):

Labcorp Genetics (formerly Invitae), Labcorp
Classification: Pathogenic for Glycogen storage disease type III. Last evaluated: 2024-01-25. Review status: criteria provided, single submitter. Criteria: Invitae Variant Classification Sherloc (09022015). Collection method: clinical testing. Allele origin: germline.
Comment: This sequence change creates a premature translational stop signal (p.Gly1100Glufs*13) in the AGL gene. It is expected to result in an absent or disrupted protein product. Loss-of-function variants in AGL are known to be pathogenic (PMID: 19299494). This variant is not present in population databases (gnomAD no frequency). This variant has not been reported in the literature in individuals affected with AGL-related conditions. ClinVar contains an entry for this variant (Variation ID: 2440246). For these reasons, this variant has been classified as Pathogenic.

Revvity Omics, Revvity
Classification: Likely pathogenic for Glycogen storage disease type III. Last evaluated: 2022-06-06. Review status: criteria provided, single submitter. Criteria: ACMG Guidelines, 2015. Collection method: clinical testing. Allele origin: germline.

Literature cited by the submitters: PubMed 19299494 (cited by Labcorp Genetics (formerly Invitae), Labcorp).

NM_000642.3(AGL):c.3299del (p.Gly1100fs)

Gene: AGL (amylo-alpha-1,6-glucosidase and 4-alpha-glucanotransferase; plus strand). Cytogenetic location: 1p21.2.
Variant type: Deletion.
Coding change: c.3299del on transcript NM_000642.3 (MANE Select); coding-DNA position 3299, one base deleted (G; older notation c.3299delG).
Protein change: p.Gly1100fs; shifts the reading frame from glycine 1100.
Molecular consequence: frameshift variant.
Genome position (GRCh38, 1-based): chr1:99,896,325, G deleted; the last of 4 consecutive G bases (chr1:99,896,322-99,896,325); deleting any one gives the same sequence. VCF-style (leftmost placement, unchanged base first): chr1-99896321-TG-T. GRCh37 (hg19) VCF-style: chr1-100361877-TG-T.
Other names: c.3299delG, p.Gly1100Glufs (NM_000028.3, NM_000643.3, NM_000644.3 and 1 more transcripts); c.3251delG, p.Gly1084Glufs (NM_000646.3); c.3278delG, p.Gly1093Glufs (NM_001425326.1); c.3098delG, p.Gly1033Glufs (NM_001425327.1); c.3095delG, p.Gly1032Glufs (NM_001425328.1); c.2960delG, p.Gly987Glufs (NM_001425329.1); c.2921delG, p.Gly974Glufs (NM_001425332.1); short protein forms G1084fs, G1100fs.
Identifiers: ClinVar variation 2440246 (VCV002440246.6), dbSNP rs2524757369, ClinGen allele CA2574444632.